The following is an entry in ClinVar:

ClinVar aggregate classification (germline): Uncertain significance (1 of 4 stars; one submission).

Allele frequency attached by ClinVar (database versions not stated): gnomAD exomes below 0.00001; ExAC 0.00001.
gnomAD v4.1: 3 of 1,614,132 alleles (0.00019%); highest among the groups gnomAD compares: Non-Finnish European, 0.00025%; no homozygotes.

Submission:

Ambry Genetics
Classification: Uncertain significance. Last evaluated: 2023-01-18. Review status: criteria provided, single submitter. Criteria: Ambry Variant Classification Scheme 2023. Collection method: clinical testing. Allele origin: germline.
Comment: The p.Q420H variant (also known as c.1260G>T), located in coding exon 12 of the RAD54L gene, results from a G to T substitution at nucleotide position 1260. The glutamine at codon 420 is replaced by histidine, an amino acid with highly similar properties. This amino acid position is conserved. In addition, this alteration is predicted to be deleterious by in silico analysis. Since supporting evidence is limited at this time, the clinical significance of this alteration remains unclear.

NM_003579.4(RAD54L):c.1260G>T (p.Gln420His)

Gene: RAD54L (RAD54 like; plus strand). Cytogenetic location: 1p34.1.
Variant type: single nucleotide variant.
Coding change: c.1260G>T on transcript NM_003579.4 (MANE Select); coding-DNA position 1260, G replaced by T.
Protein change: p.Gln420His; replaces glutamine 420 with histidine.
Molecular consequence: missense variant.
Genome position (GRCh38, 1-based): chr1:46,272,687, G>T. VCF-style: chr1-46272687-G-T. GRCh37 (hg19) VCF-style: chr1-46738359-G-T.
Other names: c.1260G>T, p.Gln420His (NM_001142548.2); c.720G>T, p.Gln240His (NM_001370766.1); short protein forms Q240H, Q420H.
Identifiers: ClinVar variation 2496811 (VCV002496811.2), dbSNP rs763313232, ClinGen allele CA834558.